The following is an entry in ClinVar:

ClinVar aggregate classification (germline): Likely benign (1 of 4 stars; one submission).

gnomAD v4.1: 56 of 1,613,012 alleles (0.0035%); highest among the groups gnomAD compares: Admixed American, 0.005%; no homozygotes.

Submission:

CeGaT Center for Human Genetics Tuebingen
Classification: Likely benign. Last evaluated: 2023-02-01. Review status: criteria provided, single submitter. Criteria: CeGaT Center For Human Genetics Tuebingen Variant Classification Criteria Version 2. Collection method: clinical testing. Allele origin: germline. Affected: yes. Observed: 1 variant allele.
Comment: ADRA1B: BP4, BP7

NM_000679.4(ADRA1B):c.900C>G (p.Val300=)

Gene: ADRA1B (adrenoceptor alpha 1B; plus strand). Cytogenetic location: 5q33.3.
Variant type: single nucleotide variant.
Coding change: c.900C>G on transcript NM_000679.4 (MANE Select); coding-DNA position 900, C replaced by G.
Protein change: p.Val300=; no amino-acid change (valine 300 retained).
Molecular consequence: synonymous variant.
Genome position (GRCh38, 1-based): chr5:159,917,805, C>G. VCF-style: chr5-159917805-C-G. GRCh37 (hg19) VCF-style: chr5-159344812-C-G.
Identifiers: ClinVar variation 2656008 (VCV002656008.24), dbSNP rs748079207, ClinGen allele CA3539075.